The following is an entry in ClinVar:

NM_000379.4(XDH):c.910C>T (p.Pro304Ser)

Gene: XDH (xanthine dehydrogenase; minus strand). Cytogenetic location: 2p23.1.
Variant type: single nucleotide variant.
Coding change: c.910C>T on transcript NM_000379.4 (MANE Select); coding-DNA position 910, C replaced by T.
Protein change: p.Pro304Ser; replaces proline 304 with serine.
Molecular consequence: missense variant.
Genome position (GRCh38, 1-based): chr2:31,383,129, G>A on the plus strand (C>T on the coding strand, the complement: XDH is on the minus strand). VCF-style: chr2-31383129-G-A. GRCh37 (hg19) VCF-style: chr2-31605995-G-A.
Other names: short protein forms P304S.
Identifiers: ClinVar variation 4692253 (VCV004692253.1).
Genomic context (GRCh38, chr2:31,383,129, plus strand): 5'-TCTTTTGGGCAGGAAGCTTAGCAACAGCATCCACCAGGGTTTTTTCCACAATGCTCAGGG[G>A]GCAAGCAGCTCCAAAGGAGATACCTGGGAACGCACGTTCGGAATCACAGCAATTCTTCCC-3'
Protein context (NP_000370.2, residues 294-314): PDGISFGAAC[Pro304Ser]LSIVEKTLVD

ClinVar aggregate classification (germline): Uncertain significance (1 of 4 stars; one submission).

Conditions:
Xanthinuria type II. Also called: Xanthine dehydrogenase and aldehyde oxidase combined deficiency of; XDH and AOX dual deficiency. Identifiers: Orphanet 3467, Orphanet 93602, MedGen C1863688, MONDO:0011346, OMIM 603592.

Submission:

Labcorp Genetics (formerly Invitae), Labcorp
Classification: Uncertain significance for Xanthinuria type II. Last evaluated: 2025-10-06. Review status: criteria provided, single submitter. Criteria: Invitae Variant Classification Sherloc (09022015). Collection method: clinical testing. Allele origin: germline.
Comment: This sequence change replaces proline, which is neutral and non-polar, with serine, which is neutral and polar, at codon 304 of the XDH protein (p.Pro304Ser). This variant is not present in population databases (gnomAD no frequency). This variant has not been reported in the literature in individuals affected with XDH-related conditions. An algorithm developed to predict the effect of missense changes on protein structure and function outputs the following: PolyPhen-2: "Benign". The serine amino acid residue is found in multiple mammalian species, which suggests that this missense change does not adversely affect protein function. In summary, the available evidence is currently insufficient to determine the role of this variant in disease. Therefore, it has been classified as a Variant of Uncertain Significance.